The following is an entry in ClinVar:

ClinVar aggregate classification (germline): Conflicting classifications of pathogenicity. Review status: criteria provided, conflicting classifications (1 of 4 stars). 6 submissions from 6 submitters: Likely pathogenic (5); Uncertain significance (1). Last evaluated 2026-01-12.

Conditions:
QARS1-related disorder. Also called: QARS1-related condition.
Diffuse cerebral and cerebellar atrophy - intractable seizures - progressive microcephaly syndrome. Also called: Microcephaly, progressive, with seizures and cerebral and cerebellar atrophy. Identifiers: Orphanet 404437, MedGen C4014239, MONDO:0014335, OMIM 615760.

Allele frequency attached by ClinVar (database versions not stated): gnomAD 0.00001; TOPMed 0.00004; gnomAD exomes 0.00005; ExAC 0.00010; 1000 Genomes Project 30x 0.00016; 1000 Genomes Project 0.00020.
gnomAD v4.1: 83 of 1,614,182 alleles (0.0051%); highest among the groups gnomAD compares: East Asian, 0.04%; no homozygotes.

Submissions (6):

GeneDx
Classification: Likely pathogenic. Last evaluated: 2026-01-12. Review status: criteria provided, single submitter. Criteria: GeneDx Variant Classification Process June 2021. Collection method: clinical testing. Allele origin: germline. Affected: yes.
Comment: Observed with a second QARS variant on the opposite allele (in trans) in children with seizures, developmental delay, microcephaly, and brain malformations (PMID: 31618474, 34774383, 30755392); Published functional studies demonstrate a damaging effect on aminoacylation and QARS solubility (PMID: 34774383); In silico analysis supports that this missense variant has a deleterious effect on protein structure/function; This variant is associated with the following publications: (PMID: 34774383, 30755392, 32042906, 25471517, 31618474)

PreventionGenetics, part of Exact Sciences
Classification: Likely pathogenic for QARS1-related condition. Last evaluated: 2024-10-16. Review status: criteria provided, single submitter. Criteria: ACMG Guidelines, 2015. Collection method: clinical testing. Allele origin: germline.
Comment: The QARS1 c.1132C>T variant is predicted to result in the amino acid substitution p.Arg378Cys. This variant has been reported in the compound heterozygous state in multiple individuals with epilepsy (Table S2 in Burgess et al. 2019. PubMed ID: 31618474; Table S2 in Ji et al. 2019. PubMed ID: 30755392; Chan et al. 2022. PubMed ID: 34774383). A functional study found that the p.Arg378Cys substitution decreases protein solubility (Chan et al. 2022. PubMed ID: 34774383). This variant is reported in 0.070% of alleles in individuals of East Asian descent in gnomAD. Given the evidence, we interpret c.1132C>T (p.Arg378Cys) as likely pathogenic.

Labcorp Genetics (formerly Invitae), Labcorp
Classification: Uncertain significance for Diffuse cerebral and cerebellar atrophy - intractable seizures - progressive microcephaly syndrome. Last evaluated: 2022-10-28. Review status: criteria provided, single submitter. Criteria: Invitae Variant Classification Sherloc (09022015). Collection method: clinical testing. Allele origin: germline.
Comment: This sequence change replaces arginine, which is basic and polar, with cysteine, which is neutral and slightly polar, at codon 378 of the QARS protein (p.Arg378Cys). This variant is present in population databases (rs185476065, gnomAD 0.07%). This missense change has been observed in individuals with QARS-related conditions (PMID: 30755392, 31618474). ClinVar contains an entry for this variant (Variation ID: 598952). Advanced modeling of protein sequence and biophysical properties (such as structural, functional, and spatial information, amino acid conservation, physicochemical variation, residue mobility, and thermodynamic stability) has been performed at Invitae for this missense variant, however the output from this modeling did not meet the statistical confidence thresholds required to predict the impact of this variant on QARS protein function. In summary, the available evidence is currently insufficient to determine the role of this variant in disease. Therefore, it has been classified as a Variant of Uncertain Significance.

Institute of Human Genetics, University of Leipzig Medical Center
Classification: Likely pathogenic for Diffuse cerebral and cerebellar atrophy - intractable seizures - progressive microcephaly syndrome. Last evaluated: 2022-01-17. Review status: criteria provided, single submitter. Criteria: ACMG Guidelines, 2015. Collection method: clinical testing. Allele origin: maternal. Affected: yes.
Comment: This variant was identified as compound heterozygous with NM_005051.3:c.1567C>T._x000D_ Criteria applied: PM3_STR, PM2_SUP, PP3

Center for Personalized Medicine, Children's Hospital Los Angeles
Classification: Likely pathogenic. Last evaluated: 2018-11-19. Review status: criteria provided, single submitter. Criteria: ACMG Guidelines, 2015. Collection method: clinical testing. Allele origin: germline. Affected: yes.

Juno Genomics, Hangzhou Juno Genomics, Inc
Classification: Likely pathogenic for Diffuse cerebral and cerebellar atrophy - intractable seizures - progressive microcephaly syndrome. Review status: criteria provided, single submitter. Criteria: ACMG Guidelines, 2015. Collection method: clinical testing. Allele origin: germline.
Comment: Absent from controls (or at extremely low frequency if recessive) in Genome Aggregation Database.;For recessive disorders, detected in trans with a pathogenic variant.;Patient's phenotype or family history is highly specific for a disease with a single genetic etiology.;Well-established in vitro or in vivo functional studies supportive of a damaging effect on the gene or gene product.

Literature cited by the submitters: PubMed 30755392 (cited by Labcorp Genetics (formerly Invitae), Labcorp); PubMed 31618474 (cited by Labcorp Genetics (formerly Invitae), Labcorp).

NM_005051.3(QARS1):c.1132C>T (p.Arg378Cys)

Gene: QARS1 (glutaminyl-tRNA synthetase 1; minus strand). Cytogenetic location: 3p21.31.
Variant type: single nucleotide variant.
Coding change: c.1132C>T on transcript NM_005051.3 (MANE Select); coding-DNA position 1132, C replaced by T.
Protein change: p.Arg378Cys; replaces arginine 378 with cysteine.
Molecular consequence: missense variant. On other transcripts: non-coding transcript variant (1).
Genome position (GRCh38, 1-based): chr3:49,100,222, G>A on the plus strand (C>T on the coding strand, the complement: QARS1 is on the minus strand). VCF-style: chr3-49100222-G-A. GRCh37 (hg19) VCF-style: chr3-49137655-G-A.
Other names: c.1099C>T, p.Arg367Cys (NM_001272073.2); short protein forms R378C, R367C.
Identifiers: ClinVar variation 598952 (VCV000598952.20), dbSNP rs185476065, ClinGen allele CA2391879.
Genomic context (GRCh38, chr3:49,100,222, plus strand): 5'-AAACCCAGATGCTCCTCTAGGACCCCACCTCAAAGAGCAGCAGTGACTCCTCCATGGGAC[G>A]GTCTCTCCAGGGTGAAGGCAGAGTATTATGGCCTTTGAGCTCCTCTCCTCGCTGGTGGCA-3'
Protein context (NP_005042.1, residues 368-388): HNTLPSPWRD[Arg378Cys]PMEESLLLFE